The following is an entry in ClinVar:

NM_007294.4(BRCA1):c.5015A>C (p.His1672Pro)

Gene: BRCA1 (BRCA1 DNA repair associated; minus strand). Cytogenetic location: 17q21.31.
Variant type: single nucleotide variant.
Coding change: c.5015A>C on transcript NM_007294.4 (MANE Select); coding-DNA position 5015, A replaced by C.
Protein change: p.His1672Pro; replaces histidine 1672 with proline.
Molecular consequence: missense variant. On other transcripts: non-coding transcript variant (1).
Genome position (GRCh38, 1-based): chr17:43,067,667, T>G on the plus strand (A>C on the coding strand, the complement: BRCA1 is on the minus strand). VCF-style: chr17-43067667-T-G. GRCh37 (hg19) VCF-style: chr17-41219684-T-G.
Other names: c.4802A>C, p.His1601Pro (NM_001407898.1, NM_001407899.1, NM_001407900.1 and 12 more transcripts); c.4751A>C, p.His1584Pro (NM_001407923.1, NM_001407924.1, NM_001407925.1 and 4 more transcripts); c.4748A>C, p.His1583Pro (NM_001407927.1, NM_001407928.1, NM_001407929.1 and 4 more transcripts); c.4874A>C, p.His1625Pro (NM_001407942.1, NM_007297.4, NM_001407692.1 and 13 more transcripts); c.4871A>C, p.His1624Pro (NM_001407943.1, NM_001407944.1, NM_001407945.1 and 21 more transcripts); c.4682A>C, p.His1561Pro (NM_001407946.1, NM_001407947.1, NM_001407948.1 and 1 more transcripts); c.4679A>C, p.His1560Pro (NM_001407950.1, NM_001407951.1, NM_001407952.1 and 3 more transcripts); c.4631A>C, p.His1544Pro (NM_001407962.1, NM_001407960.1); and 70 more; short protein forms H1672P, H568P, H1625P, H1693P, H1503P, H1545P, H1583P, H1601P.
Identifiers: ClinVar variation 868926 (VCV000868926.3), dbSNP rs1567772328, ClinGen allele CA10591488.

Conditions:
Breast-ovarian cancer, familial, susceptibility to, 1 (BROVCA1). Also called: BRCA1 Hereditary Breast and Ovarian Cancer; OVARIAN CANCER, SUSCEPTIBILITY TO. Identifiers: Orphanet 145, MedGen C2676676, MONDO:0011450, OMIM 604370. Disease mechanism: loss of function.

Submission:

Brotman Baty Institute, University of Washington
No classification provided (evidence only). Condition: Breast-ovarian cancer, familial 1. Review status: no classification provided. Collection method: in vitro. Allele origin: not applicable. Functional consequence: functionally_abnormal.
ClinVar note: "not provided" was previously submitted as the classification for the variant. However, the classification appeared to be based only on an observation of functional data so it was converted to no classification on 2025-07-30.